The following is an entry in ClinVar:

ClinVar aggregate classification (germline): Uncertain significance. Review status: criteria provided, multiple submitters, no conflicts (2 of 4 stars). 3 submissions from 3 submitters: Uncertain significance (3). Last evaluated 2024-01-22.

Conditions:
Neurofibromatosis, type 1 (NF1). Also called: VON RECKLINGHAUSEN DISEASE; NEUROFIBROMATOSIS, TYPE I, SOMATIC; Peripheral type neurofibromatosis; Neurofibromatosis, type I. Identifiers: Orphanet 636, MedGen C0027831, MONDO:0018975, OMIM 162200. Disease mechanism: loss of function.
Hereditary cancer-predisposing syndrome. Also called: Neoplastic Syndromes, Hereditary; Tumor predisposition; Hereditary Cancer Syndrome; Hereditary neoplastic syndrome. Identifiers: Orphanet 140162, MedGen C0027672, MeSH D009386, MONDO:0015356.
Cardiovascular phenotype. Identifiers: MedGen CN230736.

Submissions (3):

Ambry Genetics
Classification: Uncertain significance for Cardiovascular phenotype; Hereditary cancer-predisposing syndrome. Last evaluated: 2024-01-22. Review status: criteria provided, single submitter. Criteria: Ambry Variant Classification Scheme 2023. Collection method: clinical testing. Allele origin: germline.
Comment: The p.L937W variant (also known as c.2810T>G), located in coding exon 21 of the NF1 gene, results from a T to G substitution at nucleotide position 2810. The leucine at codon 937 is replaced by tryptophan, an amino acid with similar properties. This amino acid position is conserved. In addition, the in silico prediction for this alteration is inconclusive. Based on the available evidence, the clinical significance of this alteration remains unclear.

Labcorp Genetics (formerly Invitae), Labcorp
Classification: Uncertain significance for Neurofibromatosis, type 1. Last evaluated: 2022-12-03. Review status: criteria provided, single submitter. Criteria: Invitae Variant Classification Sherloc (09022015). Collection method: clinical testing. Allele origin: germline.
Comment: In summary, the available evidence is currently insufficient to determine the role of this variant in disease. Therefore, it has been classified as a Variant of Uncertain Significance. Advanced modeling of protein sequence and biophysical properties (such as structural, functional, and spatial information, amino acid conservation, physicochemical variation, residue mobility, and thermodynamic stability) performed at Invitae indicates that this missense variant is expected to disrupt NF1 protein function. ClinVar contains an entry for this variant (Variation ID: 561678). This variant has not been reported in the literature in individuals affected with NF1-related conditions. This variant is not present in population databases (gnomAD no frequency). This sequence change replaces leucine, which is neutral and non-polar, with tryptophan, which is neutral and slightly polar, at codon 937 of the NF1 protein (p.Leu937Trp).

GeneDx
Classification: Uncertain significance. Last evaluated: 2017-01-30. Review status: criteria provided, single submitter. Criteria: GeneDx Variant Classification (06012015). Collection method: clinical testing. Allele origin: germline. Affected: yes.
Comment: This variant is denoted NF1 c.2810T>G at the cDNA level, p.Leu937Trp (L937W) at the protein level, and results in the change of a Leucine to a Tryptophan (TTG>TGG). This variant has not, to our knowledge, been published in the literature as pathogenic or benign. NF1 Leu937Trp was not observed in approximately 6,500 individuals of European and African American ancestry in the NHLBI Exome Sequencing Project, suggesting it is not a common benign variant in these populations. Since Leucine and Tryptophan differ in some properties, this is considered a semi-conservative amino acid substitution. NF1 Leu937Trp occurs at a position that is conserved across species and is not located in a known functional domain. In silico analyses predict that this variant is probably damaging to protein structure and function. Based on currently available evidence, it is unclear whether NF1 Leu937Trp is a pathogenic or benign variant. We consider it to be a variant of uncertain significance.

NM_001042492.3(NF1):c.2810T>G (p.Leu937Trp)

Gene: NF1 (neurofibromin 1; plus strand). Cytogenetic location: 17q11.2.
Variant type: single nucleotide variant.
Coding change: c.2810T>G on transcript NM_001042492.3 (MANE Select); coding-DNA position 2810, T replaced by G.
Protein change: p.Leu937Trp; replaces leucine 937 with tryptophan.
Molecular consequence: missense variant.
Genome position (GRCh38, 1-based): chr17:31,229,425, T>G. VCF-style: chr17-31229425-T-G. GRCh37 (hg19) VCF-style: chr17-29556443-T-G.
Other names: c.2810T>G, p.Leu937Trp (NM_000267.4); short protein forms L937W.
Identifiers: ClinVar variation 561678 (VCV000561678.5), dbSNP rs1567849184, ClinGen allele CA398985742.
Genomic context (GRCh38, chr17:31,229,425, plus strand): 5'-TTAAGGATCTGGTGGGTCTAGAATTGAGTCCTGCTCTGTATCCAATGCTATTTAACAAAT[T>G]GAAGAATACCATCAGCAAGTTTTTTGACTCCCAAGGACAGGTAAAGTGTTCTCTTATTTT-3'
Protein context (NP_001035957.1, residues 927-947): PALYPMLFNK[Leu937Trp]KNTISKFFDS